The following is an entry in ClinVar:

NM_198578.4(LRRK2):c.3711G>T (p.Leu1237Phe)

Gene: LRRK2 (leucine rich repeat kinase 2; plus strand). Cytogenetic location: 12q12.
Variant type: single nucleotide variant.
Coding change: c.3711G>T on transcript NM_198578.4 (MANE Select); coding-DNA position 3711, G replaced by T.
Protein change: p.Leu1237Phe; replaces leucine 1237 with phenylalanine.
Molecular consequence: missense variant.
Genome position (GRCh38, 1-based): chr12:40,304,068, G>T. VCF-style: chr12-40304068-G-T. GRCh37 (hg19) VCF-style: chr12-40697870-G-T.
Other names: short protein forms L1237F.
Identifiers: ClinVar variation 3540685 (VCV003540685.1).

ClinVar aggregate classification (germline): Uncertain significance (1 of 4 stars; one submission).

Conditions:
Inborn genetic diseases. Identifiers: MedGen C0950123, MeSH D030342.

gnomAD v4.1: 2 of 1,613,624 alleles (0.00012%); highest among the groups gnomAD compares: Non-Finnish European, 0.00017%; no homozygotes.

Submission:

Ambry Genetics
Classification: Uncertain significance for Inborn genetic diseases. Last evaluated: 2024-09-18. Review status: criteria provided, single submitter. Criteria: Ambry Variant Classification Scheme 2023. Collection method: clinical testing. Allele origin: germline.
Comment: The p.L1237F variant (also known as c.3711G>T), located in coding exon 27 of the LRRK2 gene, results from a G to T substitution at nucleotide position 3711. The leucine at codon 1237 is replaced by phenylalanine, an amino acid with highly similar properties. This amino acid position is conserved. In addition, this alteration is predicted to be tolerated by in silico analysis. Based on the available evidence, the clinical significance of this variant remains unclear.